The following is an entry in ClinVar:

GRCh38/hg38 15q13.2-13.3(chr15:30361674-32326182)x1

Genes: ARHGAP11B (Rho GTPase activating protein 11B), ARHGAP11B-DT (ARHGAP11B divergent transcript), CHRFAM7A (CHRNA7 (exons 5-10) and FAM7A (exons A-E) fusion; minus strand), CHRNA7 (cholinergic receptor nicotinic alpha 7 subunit), FAN1 (FANCD2 and FANCI associated nuclease 1; plus strand) and 32 more. Cytogenetic location: 15q13.2-13.3.
Variant type: copy number loss.
Change: copy number 1 (one copy instead of two) of chr15:30,361,674-32,326,182 (1.96 Mb, GRCh38 coordinates, 1-based), cytogenetic band 15q13.2-13.3.
Identifiers: ClinVar variation 58654 (VCV000058654.2).

ClinVar aggregate classification (germline): Pathogenic (1 of 4 stars; one submission).

Submission:

ISCA Site 6
Classification: Pathogenic. Last evaluated: 2011-08-12. Review status: criteria provided, single submitter. Criteria: Kaminsky et al. (Genet Med. 2011). Collection method: clinical testing. Allele origin: maternal. Affected: yes. Observed: 1 variant allele.
Comment: Copy number variation identified through the course of routine clinical cytogenomic testing in postnatal populations. Clinical assertions have been curated as described in Kaminsky et al. 2011.